The following is an entry in ClinVar:

ClinVar aggregate classification (germline): Uncertain significance (1 of 4 stars; one submission).

Conditions:
Congenital muscular dystrophy due to integrin alpha-7 deficiency. Also called: MYOPATHY, CONGENITAL, DUE TO INTEGRIN ALPHA-7 DEFICIENCY; Congenital muscular dystrophy with integrin alpha-7 deficiency; Muscular dystrophy, congenital, due to ITGA7 deficiency. Identifiers: Orphanet 34520, MedGen C2750786, MONDO:0013177, OMIM 613204.

Allele frequency attached by ClinVar (database versions not stated): gnomAD exomes below 0.00001; TOPMed below 0.00001; gnomAD 0.00001.
gnomAD v4.1: 7 of 1,613,800 alleles (0.00043%); highest among the groups gnomAD compares: African/African-American, 0.0013%; no homozygotes.

Submission:

Labcorp Genetics (formerly Invitae), Labcorp
Classification: Uncertain significance for Congenital muscular dystrophy due to integrin alpha-7 deficiency. Last evaluated: 2024-04-08. Review status: criteria provided, single submitter. Criteria: Invitae Variant Classification Sherloc (09022015). Collection method: clinical testing. Allele origin: germline.
Comment: This sequence change replaces arginine, which is basic and polar, with cysteine, which is neutral and slightly polar, at codon 651 of the ITGA7 protein (p.Arg651Cys). This variant is present in population databases (no rsID available, gnomAD 0.0009%). This variant has not been reported in the literature in individuals affected with ITGA7-related conditions. ClinVar contains an entry for this variant (Variation ID: 956399). Advanced modeling of protein sequence and biophysical properties (such as structural, functional, and spatial information, amino acid conservation, physicochemical variation, residue mobility, and thermodynamic stability) performed at Invitae indicates that this missense variant is not expected to disrupt ITGA7 protein function with a negative predictive value of 80%. In summary, the available evidence is currently insufficient to determine the role of this variant in disease. Therefore, it has been classified as a Variant of Uncertain Significance.

NM_002206.3(ITGA7):c.1951C>T (p.Arg651Cys)

Gene: ITGA7 (integrin subunit alpha 7; minus strand). Cytogenetic location: 12q13.2.
Variant type: single nucleotide variant.
Coding change: c.1951C>T on transcript NM_002206.3 (MANE Select); coding-DNA position 1951, C replaced by T.
Protein change: p.Arg651Cys; replaces arginine 651 with cysteine.
Molecular consequence: missense variant.
Genome position (GRCh38, 1-based): chr12:55,695,574, G>A on the plus strand (C>T on the coding strand, the complement: ITGA7 is on the minus strand). VCF-style: chr12-55695574-G-A. GRCh37 (hg19) VCF-style: chr12-56089358-G-A.
Other names: c.1963C>T, p.Arg655Cys (NM_001144996.2); c.1672C>T, p.Arg558Cys (NM_001144997.2); c.1624C>T, p.Arg542Cys (NM_001367993.1); c.607C>T, p.Arg203Cys (NM_001367994.1); c.1933C>T, p.Arg645Cys (NM_001374465.1); c.2083C>T, p.Arg695Cys (NM_001410977.1); c.1945C>T, p.Arg649Cys (NM_001414029.1); c.1876C>T, p.Arg626Cys (NM_001414030.1); and 5 more; short protein forms R542C, R655C, R558C, R203C, R645C, R651C, R695C, R626C.
Identifiers: ClinVar variation 956399 (VCV000956399.9), dbSNP rs1171244321, ClinGen allele CA385185340.
Genomic context (GRCh38, chr12:55,695,574, plus strand): 5'-CCCCTCACATGGGCAGAGGTTGGAATTCCGTGTCGCTGACCCGGGTACAGAAGCGGGCGC[G>A]GACCAGCTGCAGATTGCTCTGGCAGATCTTGTCTTCACCACAGCCTTGCTTCAGGAAGTG-3'
Protein context (NP_002197.2, residues 641-661): KICQSNLQLV[Arg651Cys]ARFCTRVSDT